The following is an entry in ClinVar:

ClinVar aggregate classification (germline): Uncertain significance. Review status: criteria provided, multiple submitters, no conflicts (2 of 4 stars). 2 submissions from 2 submitters: Uncertain significance (2). Last evaluated 2024-05-13.

Conditions:
Familial focal epilepsy with variable foci (FPEVF). Identifiers: Orphanet 98820, MedGen C1858477, MONDO:0020310.
Epilepsy, familial focal, with variable foci 1 (FFEVF1). Also called: DEPDC5-Related Epilepsy. Identifiers: MedGen C4551983, MONDO:0024556, OMIM 604364.

Allele frequency attached by ClinVar (database versions not stated): TOPMed below 0.00001.

Submissions (2):

Labcorp Genetics (formerly Invitae), Labcorp
Classification: Uncertain significance for Familial focal epilepsy with variable foci. Last evaluated: 2024-05-13. Review status: criteria provided, single submitter. Criteria: Invitae Variant Classification Sherloc (09022015). Collection method: clinical testing. Allele origin: germline.
Comment: This sequence change replaces isoleucine, which is neutral and non-polar, with threonine, which is neutral and polar, at codon 38 of the DEPDC5 protein (p.Ile38Thr). This variant is not present in population databases (gnomAD no frequency). This variant has not been reported in the literature in individuals affected with DEPDC5-related conditions. ClinVar contains an entry for this variant (Variation ID: 2413365). Experimental studies and prediction algorithms are not available or were not evaluated, and the functional significance of this variant is currently unknown. In summary, the available evidence is currently insufficient to determine the role of this variant in disease. Therefore, it has been classified as a Variant of Uncertain Significance.

Neuberg Centre For Genomic Medicine, NCGM
Classification: Uncertain significance for Epilepsy, familial focal, with variable foci 1. Review status: criteria provided, single submitter. Criteria: ACMG Guidelines, 2015. Collection method: clinical testing. Allele origin: germline. Inheritance: Autosomal dominant inheritance. Affected: yes.
Comment: The missense c.113T>C (p.Ile38Thr) variant in DEPDC5 gene has not been reported previously as a pathogenic variant nor as a benign variant, to our knowledge. The p.Ile38Thr variant is novel (not in any individuals) in gnomAD Exomes and 1000 Genomes. The amino acid Ile at position 38 is changed to a Thr changing protein sequence and it might alter its composition and physico-chemical properties. The variant is predicted to be damaging by SIFT and the residue is conserved across species. The amino acid change p.Ile38Thr in DEPDC5 is predicted as conserved by GERP++ and PhyloP across 100 vertebrates. For these reasons, this variant has been classified as Uncertain Significance.

NM_001242896.3(DEPDC5):c.113T>C (p.Ile38Thr)

Gene: DEPDC5 (DEP domain containing 5, GATOR1 subcomplex subunit; plus strand). Cytogenetic location: 22q12.2.
Variant type: single nucleotide variant.
Coding change: c.113T>C on transcript NM_001242896.3 (MANE Select); coding-DNA position 113, T replaced by C.
Protein change: p.Ile38Thr; replaces isoleucine 38 with threonine.
Molecular consequence: missense variant. On other transcripts: non-coding transcript variant (5).
Genome position (GRCh38, 1-based): chr22:31,758,600, T>C. VCF-style: chr22-31758600-T-C. GRCh37 (hg19) VCF-style: chr22-32154586-T-C.
Other names: c.113T>C, p.Ile38Thr (NM_001007188.4, NM_001136029.4, NM_001242897.2 and 9 more transcripts); short protein forms I38T.
Identifiers: ClinVar variation 2413365 (VCV002413365.7), dbSNP rs1023389808, ClinGen allele CA323318196.